The following is an entry in ClinVar:

NM_001170629.2(CHD8):c.6064_6065del (p.Leu2022fs)

Gene: CHD8 (chromodomain helicase DNA binding protein 8; minus strand). Cytogenetic location: 14q11.2.
Variant type: Deletion.
Coding change: c.6064_6065del on transcript NM_001170629.2 (MANE Select); coding-DNA positions 6064 to 6065, 2 bases deleted (CT; older notation c.6064_6065delCT).
Protein change: p.Leu2022fs; shifts the reading frame from leucine 2022.
Molecular consequence: frameshift variant.
Genome position (GRCh38, 1-based): chr14:21,393,730-21,393,731, AG deleted on the plus strand (CT on the coding strand, the reverse complement: CHD8 is on the minus strand); deleting any 2 consecutive bases within chr14:21,393,730-21,393,732 gives the same sequence; the c. name uses the placement nearest the transcript's 3' end. VCF-style (leftmost placement, unchanged base first): chr14-21393729-CAG-C. GRCh37 (hg19) VCF-style: chr14-21861888-CAG-C.
Other names: c.5227_5228del, p.Leu1743fs (NM_020920.4); short protein forms L1743fs, L2022fs.
Identifiers: ClinVar variation 5019153 (VCV005019153.1).

ClinVar aggregate classification (germline): Likely pathogenic (1 of 4 stars; one submission).

Conditions:
Intellectual developmental disorder with autism and macrocephaly. Also called: CHD8-Related Neurodevelopmental Disorder with Overgrowth; Autism, susceptibility to, 18. Identifiers: Orphanet 642675, MedGen C3554373, MONDO:0014017, OMIM 615032.

Submission:

Juno Genomics, Hangzhou Juno Genomics, Inc
Classification: Likely pathogenic for Intellectual developmental disorder with autism and macrocephaly. Review status: criteria provided, single submitter. Criteria: ACMG Guidelines, 2015. Collection method: clinical testing. Allele origin: germline. Affected: yes.
Comment: Absent from controls (or at extremely low frequency if recessive) in Genome Aggregation Database.;Null variant in a gene where loss of function (LOF) is a known mechanism of disease.